The following is an entry in ClinVar:

ClinVar aggregate classification (germline): Pathogenic (1 of 4 stars; one submission).

gnomAD v4.1: 1 of 1,612,988 alleles (0.000062%); highest among the groups gnomAD compares: South Asian, 0.0011%; no homozygotes.

Submission:

GeneDx
Classification: Pathogenic. Last evaluated: 2022-04-04. Review status: criteria provided, single submitter. Criteria: GeneDx Variant Classification Process June 2021. Collection method: clinical testing. Allele origin: germline. Affected: yes.
Comment: Nonsense variant predicted to result in protein truncation or nonsense mediated decay in a gene for which loss of function is a known mechanism of disease; Not observed at significant frequency in large population cohorts (gnomAD); Has not been previously published as pathogenic or benign to our knowledge

NM_080680.3(COL11A2):c.3133G>T (p.Gly1045Ter)

Gene: COL11A2 (collagen type XI alpha 2 chain; minus strand). Cytogenetic location: 6p21.32.
Variant type: single nucleotide variant.
Coding change: c.3133G>T on transcript NM_080680.3 (MANE Select); coding-DNA position 3133, G replaced by T.
Protein change: p.Gly1045Ter; replaces glycine 1045 with a stop codon.
Molecular consequence: nonsense.
Genome position (GRCh38, 1-based): chr6:33,171,730, C>A on the plus strand (G>T on the coding strand, the complement: COL11A2 is on the minus strand). VCF-style: chr6-33171730-C-A. GRCh37 (hg19) VCF-style: chr6-33139507-C-A.
Other names: c.2812G>T, p.Gly938Ter (NM_080679.3); c.2875G>T, p.Gly959Ter (NM_080681.3); short protein forms G1045*, G938*, G959*.
Identifiers: ClinVar variation 1708726 (VCV001708726.2), dbSNP rs766503812, ClinGen allele CA363636401.
Genomic context (GRCh38, chr6:33,171,730, plus strand): 5'-CAGACCCCTCCCCAGTACCCCTCCCCAATACCCCCACACTCACTGGGACACCTTTCTCTC[C>A]TGCTGCTCCAGGGGGACCCTGCGGGCCTGGGCGCCCTGGCGGACCAATGGGTCCCCCTGA-3'